The following is an entry in ClinVar:

ClinVar aggregate classification (germline): Likely pathogenic (1 of 4 stars; one submission).

Conditions:
Early-infantile DEE. Also called: Early infantile epileptic encephalopathy; Early infantile epileptic encephalopathy with suppression bursts; Ohtahara syndrome. Identifiers: Orphanet 1934, MedGen C0393706, MONDO:0800491.

Allele frequency attached by ClinVar (database versions not stated): gnomAD exomes 0.00001.
gnomAD v4.1: 3 of 1,614,058 alleles (0.00019%); highest among the groups gnomAD compares: South Asian, 0.0033%; no homozygotes.

Submission:

Labcorp Genetics (formerly Invitae), Labcorp
Classification: Likely pathogenic for Early-infantile DEE. Last evaluated: 2024-11-05. Review status: criteria provided, single submitter. Criteria: Invitae Variant Classification Sherloc (09022015). Collection method: clinical testing. Allele origin: germline.
Comment: This sequence change replaces alanine, which is neutral and non-polar, with valine, which is neutral and non-polar, at codon 857 of the SPTAN1 protein (p.Ala857Val). This variant is not present in population databases (gnomAD no frequency). This missense change has been observed in individual(s) with clinical features of SPTAN1-related conditions (internal data). In at least one individual the variant was observed to be de novo. ClinVar contains an entry for this variant (Variation ID: 1513147). Invitae Evidence Modeling of protein sequence and biophysical properties (such as structural, functional, and spatial information, amino acid conservation, physicochemical variation, residue mobility, and thermodynamic stability) has been performed for this missense variant. However, the output from this modeling did not meet the statistical confidence thresholds required to predict the impact of this variant on SPTAN1 protein function. In summary, the currently available evidence indicates that the variant is pathogenic, but additional data are needed to prove that conclusively. Therefore, this variant has been classified as Likely Pathogenic.

NM_001130438.3(SPTAN1):c.2570C>T (p.Ala857Val)

Gene: SPTAN1 (spectrin alpha, non-erythrocytic 1; plus strand). Cytogenetic location: 9q34.11.
Variant type: single nucleotide variant.
Coding change: c.2570C>T on transcript NM_001130438.3 (MANE Select); coding-DNA position 2570, C replaced by T.
Protein change: p.Ala857Val; replaces alanine 857 with valine.
Molecular consequence: missense variant.
Genome position (GRCh38, 1-based): chr9:128,585,757, C>T. VCF-style: chr9-128585757-C-T. GRCh37 (hg19) VCF-style: chr9-131348036-C-T.
Other names: c.2570C>T, p.Ala857Val (NM_001195532.2, NM_001363759.2, NM_001363765.2 and 5 more transcripts); c.2606C>T, p.Ala869Val (NM_001375312.2, NM_001375318.1); short protein forms A857V, A869V.
Identifiers: ClinVar variation 1513147 (VCV001513147.7), dbSNP rs2131193011, ClinGen allele CA375058061.